The following is an entry in ClinVar:

ClinVar aggregate classification (germline): Likely pathogenic (1 of 4 stars; one submission).

Submission:

GeneDx
Classification: Likely pathogenic. Last evaluated: 2013-01-02. Review status: criteria provided, single submitter. Criteria: GeneDx Variant Classification (06012015). Collection method: clinical testing. Allele origin: germline. Affected: yes.
Comment: p.Gly711Val (GGT>GTT): c.2132 G>T in exon 31 of the COL3A1 gene (NM_000090.3) The Gly711Val variant in the COL3A1 gene has not been reported as a disease-causing mutation or as a benign polymorphism to our knowledge. Gly711Val results in a conservative amino acid substitution of one non-polar amino acid with another at a position that is conserved across species. In silico analysis predicts Gly711Val is damaging to the protein structure/function. Mutations in nearby residues (Gly699Arg, Gly708Val, Gly726Arg) have been reported in association with Ehlers Danlos syndrome, further supporting the functional importance of this region of the protein. Furthermore, the NHLBI ESP Exome Variant Server reports Gly711Val was not observed in approximately 6,500 samples from individuals of European and African American backgrounds, indicating it is not a common benign variant in these populations. In summary, while Gly711Val is a good candidate for a disease-causing mutation, with the clinical and molecular information available at this time we cannot unequivocally determine the clinical significance of this variant. The variant is found in TAAD panel(s).

NM_000090.4(COL3A1):c.2132G>T (p.Gly711Val)

Gene: COL3A1 (collagen type III alpha 1 chain; plus strand). Cytogenetic location: 2q32.2.
Variant type: single nucleotide variant.
Coding change: c.2132G>T on transcript NM_000090.4 (MANE Select); coding-DNA position 2132, G replaced by T.
Protein change: p.Gly711Val; replaces glycine 711 with valine.
Molecular consequence: missense variant.
Genome position (GRCh38, 1-based): chr2:188,999,480, G>T. VCF-style: chr2-188999480-G-T. GRCh37 (hg19) VCF-style: chr2-189864206-G-T.
Other names: p.G711V:GGT>GTT; short protein forms G711V.
Identifiers: ClinVar variation 199728 (VCV000199728.2), dbSNP rs794728049, ClinGen allele CA005086.